The following is an entry in ClinVar:

ClinVar aggregate classification (germline): Likely benign (1 of 4 stars; one submission).

gnomAD v4.1: 2 of 1,555,836 alleles (0.00013%); highest among the groups gnomAD compares: East Asian, 0.0024%; no homozygotes.

Submission:

CeGaT Center for Human Genetics Tuebingen
Classification: Likely benign. Last evaluated: 2026-05-01. Review status: criteria provided, single submitter. Criteria: CeGaT Center For Human Genetics Tuebingen Variant Classification Criteria Version 2. Collection method: clinical testing. Allele origin: germline. Affected: yes. Observed: 1 variant allele.
Comment: BTBD17: BP4, BP7

NM_001080466.2(BTBD17):c.552G>A (p.Leu184=)

Gene: BTBD17 (BTB domain containing 17; minus strand). Cytogenetic location: 17q25.1.
Variant type: single nucleotide variant.
Coding change: c.552G>A on transcript NM_001080466.2 (MANE Select); coding-DNA position 552, G replaced by A.
Protein change: p.Leu184=; no amino-acid change (leucine 184 retained).
Molecular consequence: synonymous variant.
Genome position (GRCh38, 1-based): chr17:74,357,542, C>T on the plus strand (G>A on the coding strand, the complement: BTBD17 is on the minus strand). VCF-style: chr17-74357542-C-T. GRCh37 (hg19) VCF-style: chr17-72353681-C-T.
Identifiers: ClinVar variation 4873975 (VCV004873975.2).